The following is an entry in ClinVar:

ClinVar aggregate classification (germline): Likely benign (1 of 4 stars; one submission).

Allele frequency attached by ClinVar (database versions not stated): 1000 Genomes Project 30x 0.00281.

Submission:

CeGaT Center for Human Genetics Tuebingen
Classification: Likely benign. Last evaluated: 2023-03-01. Review status: criteria provided, single submitter. Criteria: CeGaT Center For Human Genetics Tuebingen Variant Classification Criteria Version 2. Collection method: clinical testing. Allele origin: germline. Affected: yes. Observed: 1 variant allele.
Comment: AHNAK2: BP4, BP7

NM_138420.4(AHNAK2):c.10395T>C (p.Asp3465=)

Gene: AHNAK2 (AHNAK nucleoprotein 2; minus strand). Cytogenetic location: 14q32.33.
Variant type: single nucleotide variant.
Coding change: c.10395T>C on transcript NM_138420.4 (MANE Select); coding-DNA position 10395, T replaced by C.
Protein change: p.Asp3465=; no amino-acid change (aspartic acid 3465 retained).
Molecular consequence: synonymous variant.
Genome position (GRCh38, 1-based): chr14:104,945,056, A>G on the plus strand (T>C on the coding strand, the complement: AHNAK2 is on the minus strand). VCF-style: chr14-104945056-A-G. GRCh37 (hg19) VCF-style: chr14-105411393-A-G.
Other names: c.10095T>C, p.Asp3365= (NM_001350929.2).
Identifiers: ClinVar variation 2644671 (VCV002644671.24), dbSNP rs529172064, ClinGen allele CA7379161.